The following is an entry in ClinVar:

NM_001254.4(CDC6):c.641G>A (p.Arg214Gln)

Gene: CDC6 (cell division cycle 6; plus strand). Cytogenetic location: 17q21.2.
Variant type: single nucleotide variant.
Coding change: c.641G>A on transcript NM_001254.4 (MANE Select); coding-DNA position 641, G replaced by A.
Protein change: p.Arg214Gln; replaces arginine 214 with glutamine.
Molecular consequence: missense variant.
Genome position (GRCh38, 1-based): chr17:40,291,649, G>A. VCF-style: chr17-40291649-G-A. GRCh37 (hg19) VCF-style: chr17-38447901-G-A.
Other names: short protein forms R214Q.
Identifiers: ClinVar variation 1003905 (VCV001003905.10), dbSNP rs550436409, ClinGen allele CA8541916.

ClinVar aggregate classification (germline): Uncertain significance (1 of 4 stars; one submission).

Allele frequency attached by ClinVar (database versions not stated): ExAC 0.00001; gnomAD exomes 0.00001 and 0.00002; TOPMed 0.00001; gnomAD 0.00002.
gnomAD v4.1: 36 of 1,613,976 alleles (0.0022%); highest among the groups gnomAD compares: African/African-American, 0.013%; no homozygotes.

Submission:

Labcorp Genetics (formerly Invitae), Labcorp
Classification: Uncertain significance. Last evaluated: 2024-09-16. Review status: criteria provided, single submitter. Criteria: Invitae Variant Classification Sherloc (09022015). Collection method: clinical testing. Allele origin: germline.
Comment: This sequence change replaces arginine, which is basic and polar, with glutamine, which is neutral and polar, at codon 214 of the CDC6 protein (p.Arg214Gln). This variant is present in population databases (rs550436409, gnomAD 0.008%). This variant has not been reported in the literature in individuals affected with CDC6-related conditions. ClinVar contains an entry for this variant (Variation ID: 1003905). An algorithm developed to predict the effect of missense changes on protein structure and function (PolyPhen-2) suggests that this variant is likely to be tolerated. In summary, the available evidence is currently insufficient to determine the role of this variant in disease. Therefore, it has been classified as a Variant of Uncertain Significance.